The following is an entry in ClinVar:

NM_177438.3(DICER1):c.4207-3C>T

Gene: DICER1 (dicer 1, ribonuclease III; minus strand). Cytogenetic location: 14q32.13.
Variant type: single nucleotide variant.
Coding change: c.4207-3C>T on transcript NM_177438.3 (MANE Select); 3 bases into the intron before coding-DNA position 4207, C replaced by T.
Molecular consequence: intron variant.
Genome position (GRCh38, 1-based): chr14:95,096,716, G>A on the plus strand (C>T on the coding strand, the complement: DICER1 is on the minus strand). VCF-style: chr14-95096716-G-A. GRCh37 (hg19) VCF-style: chr14-95563053-G-A.
Other names: c.4207-3C>T (NM_001291628.2, NM_030621.4, NM_001271282.3 and 1 more transcripts).
Identifiers: ClinVar variation 242105 (VCV000242105.30), dbSNP rs376041812, ClinGen allele CA7330876.

ClinVar aggregate classification (germline): Conflicting classifications of pathogenicity. Review status: criteria provided, conflicting classifications (1 of 4 stars). 7 submissions from 7 submitters: Uncertain significance (1); Benign (1); Likely benign (4). 1 of the submissions does not count toward it. Last evaluated 2026-01-28.

Conditions:
DICER1-related disorder. Also called: DICER1-related condition.
DICER1-related tumor predisposition. Also called: DICER1 syndrome; DICER1-related pleuropulmonary blastoma cancer predisposition syndrome. Identifiers: Orphanet 284343, MedGen C3839822, MONDO:0100216.
Hereditary cancer-predisposing syndrome. Also called: Neoplastic Syndromes, Hereditary; Tumor predisposition; Hereditary neoplastic syndrome; Hereditary Cancer Syndrome. Identifiers: Orphanet 140162, MedGen C0027672, MeSH D009386, MONDO:0015356.

Allele frequency attached by ClinVar (database versions not stated): ExAC 0.00012; gnomAD exomes 0.00012 and 0.00026; ESP Exome Variant Server 0.00015; gnomAD 0.00015 and 0.00017; TOPMed 0.00015.
gnomAD v4.1: 381 of 1,599,008 alleles (0.024%); highest among the groups gnomAD compares: Non-Finnish European, 0.031%; no homozygotes.

Submissions (7):

Labcorp Genetics (formerly Invitae), Labcorp
Classification: Likely benign for DICER1-related tumor predisposition. Last evaluated: 2026-01-28. Review status: criteria provided, single submitter. Criteria: Invitae Variant Classification Sherloc (09022015). Collection method: clinical testing. Allele origin: germline.

Quest Diagnostics Nichols Institute San Juan Capistrano
Classification: Benign. Last evaluated: 2025-09-03. Review status: criteria provided, single submitter. Criteria: Quest Diagnostics criteria. Collection method: clinical testing. Allele origin: unknown.

Center for Genomic Medicine, Rigshospitalet, Copenhagen University Hospital
Classification: Uncertain significance. Last evaluated: 2025-03-04. Review status: criteria provided, single submitter. Criteria: ACMG Guidelines, 2015. Collection method: clinical testing. Allele origin: germline.

Sema4
Classification: Likely benign for Hereditary cancer-predisposing syndrome. Last evaluated: 2021-02-25. Review status: criteria provided, single submitter. Criteria: Sema4 Curation Guidelines. Collection method: curation. Allele origin: germline.

Ambry Genetics
Classification: Likely benign for Hereditary cancer-predisposing syndrome. Last evaluated: 2019-03-28. Review status: criteria provided, single submitter. Criteria: Ambry Variant Classification Scheme 2023. Collection method: clinical testing. Allele origin: germline.

GeneDx
Classification: Likely benign. Last evaluated: 2017-02-20. Review status: criteria provided, single submitter. Criteria: GeneDx Variant Classification (06012015). Collection method: clinical testing. Allele origin: germline. Affected: yes.
Comment: This variant is considered likely benign or benign based on one or more of the following criteria: it is a conservative change, it occurs at a poorly conserved position in the protein, it is predicted to be benign by multiple in silico algorithms, and/or has population frequency not consistent with disease.

PreventionGenetics, part of Exact Sciences
Classification: Likely benign for DICER1-related condition. Last evaluated: 2022-12-15. Review status: no assertion criteria provided. Collection method: clinical testing. Allele origin: germline. Not counted in ClinVar's aggregate classification.
Comment: This variant is classified as likely benign based on ACMG/AMP sequence variant interpretation guidelines (Richards et al. 2015 PMID: 25741868, with internal and published modifications).

Literature cited by the submitters: PubMed 21266384 (cited by 3 submitters); PubMed 35194848 (cited by Quest Diagnostics Nichols Institute San Juan Capistrano).